The following is an entry in ClinVar:

ClinVar aggregate classification (germline): Benign. Review status: criteria provided, multiple submitters, no conflicts (2 of 4 stars). 8 submissions from 8 submitters: Benign (6). 2 of the submissions do not count toward it. Last evaluated 2026-02-04.

Conditions:
Fraser syndrome 1 (FRASRS1). Also called: CRYPTOPHTHALMOS WITH OTHER MALFORMATIONS. Identifiers: Orphanet 2052, MedGen C4551480, MONDO:0054737, OMIM 219000.

Allele frequency attached by ClinVar (database versions not stated): ESP Exome Variant Server 0.20827; gnomAD 0.22689 and 0.24013; TOPMed 0.23368; gnomAD exomes 0.27762 and 0.29860; 1000 Genomes Project 30x 0.30575; ExAC 0.31196; 1000 Genomes Project 0.31370.
gnomAD v4.1: 442,234 of 1,609,662 alleles (27%); highest among the groups gnomAD compares: South Asian, 51%; 65,901 homozygotes.

Submissions (8):

Labcorp Genetics (formerly Invitae), Labcorp
Classification: Benign. Last evaluated: 2026-02-04. Review status: criteria provided, single submitter. Criteria: Invitae Variant Classification Sherloc (09022015). Collection method: clinical testing. Allele origin: germline.

Blueprint Genetics
Classification: Benign. Last evaluated: 2024-11-26. Review status: criteria provided, single submitter. Criteria: ACMG Guidelines, 2015. Collection method: clinical testing. Allele origin: germline.

Mayo Clinic Laboratories, Mayo Clinic
Classification: Benign. Last evaluated: 2022-03-09. Review status: criteria provided, single submitter. Criteria: ACMG Guidelines, 2015. Collection method: clinical testing. Allele origin: germline. Observed: 33 variant alleles.

Genome-Nilou Lab
Classification: Benign for Fraser syndrome 1. Last evaluated: 2021-08-10. Review status: criteria provided, single submitter. Criteria: ACMG Guidelines, 2015. Collection method: clinical testing. Allele origin: germline. Affected: no.

Illumina Laboratory Services, Illumina
Classification: Benign for Fraser syndrome 1. Last evaluated: 2018-01-12. Review status: criteria provided, single submitter. Criteria: ICSL Variant Classification Criteria 13 December 2019. Collection method: clinical testing. Allele origin: germline.
Comment: This variant was observed in the ICSL laboratory as part of a predisposition screen in an ostensibly healthy population. It had not been previously curated by ICSL or reported in the Human Gene Mutation Database (HGMD: prior to June 1st, 2018), and was therefore a candidate for classification through an automated scoring system. Utilizing variant allele frequency, disease prevalence and penetrance estimates, and inheritance mode, an automated score was calculated to assess if this variant is too frequent to cause the disease. Based on the score and internal cut-off values, a variant classified as benign is not then subjected to further curation. The score for this variant resulted in a classification of benign for this disease.

Breakthrough Genomics
Classification: Benign. Review status: criteria provided, single submitter. Criteria: ACMG Guidelines, 2015. Collection method: not provided. Allele origin: germline. Inheritance: Autosomal recessive inheritance. Affected: yes.

Diagnostic Laboratory, Department of Genetics, University Medical Center Groningen
Classification: Benign for Fraser syndrome 1. Review status: no assertion criteria provided. Collection method: clinical testing. Allele origin: germline. Affected: yes. Study: VKGL Data-share Consensus. Not counted in ClinVar's aggregate classification.

Genome Diagnostics Laboratory, University Medical Center Utrecht
Classification: Benign. Review status: no assertion criteria provided. Collection method: clinical testing. Allele origin: germline. Affected: yes. Study: VKGL Data-share Consensus. Not counted in ClinVar's aggregate classification.

NM_025074.7(FRAS1):c.7254A>G (p.Lys2418=)

Gene: FRAS1 (Fraser extracellular matrix complex subunit 1; plus strand). Cytogenetic location: 4q21.21.
Variant type: single nucleotide variant.
Coding change: c.7254A>G on transcript NM_025074.7 (MANE Select); coding-DNA position 7254, A replaced by G.
Protein change: p.Lys2418=; no amino-acid change (lysine 2418 retained).
Molecular consequence: synonymous variant.
Genome position (GRCh38, 1-based): chr4:78,466,432, A>G. VCF-style: chr4-78466432-A-G. GRCh37 (hg19) VCF-style: chr4-79387586-A-G.
Other names: p.Lys2418=.
Identifiers: ClinVar variation 349752 (VCV000349752.17), dbSNP rs34840208, ClinGen allele CA2978020.